The following is an entry in ClinVar:

NM_000522.5(HOXA13):c.352G>A (p.Ala118Thr)

Genes: HOXA13 (homeobox A13; minus strand), LOC107126288 (NUP98-HOXA13 recombination region; plus strand). Cytogenetic location: 7p15.2.
Variant type: single nucleotide variant.
Coding change: c.352G>A on transcript NM_000522.5 (MANE Select); coding-DNA position 352, G replaced by A.
Protein change: p.Ala118Thr; replaces alanine 118 with threonine.
Molecular consequence: missense variant.
Genome position (GRCh38, 1-based): chr7:27,199,726, C>T on the plus strand (G>A on the coding strand, the complement: HOXA13 is on the minus strand). VCF-style: chr7-27199726-C-T. GRCh37 (hg19) VCF-style: chr7-27239345-C-T.
Other names: short protein forms A118T.
Identifiers: ClinVar variation 3343220 (VCV003343220.1).

ClinVar aggregate classification (germline): Uncertain significance (1 of 4 stars; one submission).

Submission:

GeneDx
Classification: Uncertain significance. Last evaluated: 2023-05-01. Review status: criteria provided, single submitter. Criteria: GeneDx Variant Classification Process June 2021. Collection method: clinical testing. Allele origin: germline. Affected: yes.
Comment: Not observed at significant frequency in large population cohorts (gnomAD); In silico analysis supports that this missense variant does not alter protein structure/function; Has not been previously published as pathogenic or benign to our knowledge